The following is an entry in ClinVar:

NM_020937.4(FANCM):c.1980A>C (p.Ser660=)

Gene: FANCM (FA complementation group M; plus strand). Cytogenetic location: 14q21.2.
Variant type: single nucleotide variant.
Coding change: c.1980A>C on transcript NM_020937.4 (MANE Select); coding-DNA position 1980, A replaced by C.
Protein change: p.Ser660=; no amino-acid change (serine 660 retained).
Molecular consequence: synonymous variant.
Genome position (GRCh38, 1-based): chr14:45,167,141, A>C. VCF-style: chr14-45167141-A-C. GRCh37 (hg19) VCF-style: chr14-45636344-A-C.
Other names: c.1902A>C, p.Ser634= (NM_001308133.2); c.1980A>C, p.Ser660= (NM_001308134.2).
Identifiers: ClinVar variation 3239488 (VCV003239488.19), dbSNP rs753403858.

ClinVar aggregate classification (germline): Likely benign (1 of 4 stars; one submission).

Submission:

CeGaT Center for Human Genetics Tuebingen
Classification: Likely benign. Last evaluated: 2024-05-01. Review status: criteria provided, single submitter. Criteria: CeGaT Center For Human Genetics Tuebingen Variant Classification Criteria Version 2. Collection method: clinical testing. Allele origin: germline. Affected: yes. Observed: 1 variant allele.
Comment: FANCM: PM2:Supporting, BP4, BP7